The following is an entry in ClinVar:

NM_000535.7(PMS2):c.1670A>G (p.Asp557Gly)

Gene: PMS2 (PMS1 homolog 2, mismatch repair system component; minus strand). Cytogenetic location: 7p22.1.
Variant type: single nucleotide variant.
Coding change: c.1670A>G on transcript NM_000535.7 (MANE Select); coding-DNA position 1670, A replaced by G.
Protein change: p.Asp557Gly; replaces aspartic acid 557 with glycine.
Molecular consequence: missense variant. On other transcripts: non-coding transcript variant (1).
Genome position (GRCh38, 1-based): chr7:5,987,095, T>C on the plus strand (A>G on the coding strand, the complement: PMS2 is on the minus strand). VCF-style: chr7-5987095-T-C. GRCh37 (hg19) VCF-style: chr7-6026726-T-C.
Other names: c.1265A>G, p.Asp422Gly (NM_001322003.2, NM_001322004.2, NM_001322005.2 and 1 more transcripts); c.1514A>G, p.Asp505Gly (NM_001322006.2); c.1352A>G, p.Asp451Gly (NM_001322007.2, NM_001322008.2); c.1109A>G, p.Asp370Gly (NM_001322010.2); c.737A>G, p.Asp246Gly (NM_001322011.2, NM_001322012.2); c.1097A>G, p.Asp366Gly (NM_001322013.2); c.1670A>G, p.Asp557Gly (NM_001322014.2); c.1361A>G, p.Asp454Gly (NM_001322015.2); and 1 more; short protein forms D422G, D505G, D557G, D451G, D454G, D246G, D366G, D370G.
Identifiers: ClinVar variation 1492883 (VCV001492883.7), dbSNP rs1562629043, ClinGen allele CA366741272.

ClinVar aggregate classification (germline): Uncertain significance. Review status: criteria provided, multiple submitters, no conflicts (2 of 4 stars). 2 submissions from 2 submitters: Uncertain significance (2). Last evaluated 2024-03-14.

Conditions:
Hereditary nonpolyposis colorectal neoplasms. Identifiers: MedGen C0009405, MeSH D003123.
Hereditary cancer-predisposing syndrome. Also called: Tumor predisposition; Hereditary neoplastic syndrome; Neoplastic Syndromes, Hereditary; Hereditary Cancer Syndrome. Identifiers: Orphanet 140162, MedGen C0027672, MeSH D009386, MONDO:0015356.

Submissions (2):

Ambry Genetics
Classification: Uncertain significance for Hereditary cancer-predisposing syndrome. Last evaluated: 2024-03-14. Review status: criteria provided, single submitter. Criteria: Ambry Variant Classification Scheme 2023. Collection method: clinical testing. Allele origin: germline.
Comment: The p.D557G variant (also known as c.1670A>G), located in coding exon 11 of the PMS2 gene, results from an A to G substitution at nucleotide position 1670. The aspartic acid at codon 557 is replaced by glycine, an amino acid with similar properties. This amino acid position is conserved. In addition, this alteration is predicted to be tolerated by in silico analysis. Based on the available evidence, the clinical significance of this alteration remains unclear.

Labcorp Genetics (formerly Invitae), Labcorp
Classification: Uncertain significance for Hereditary nonpolyposis colorectal neoplasms. Last evaluated: 2023-02-25. Review status: criteria provided, single submitter. Criteria: Invitae Variant Classification Sherloc (09022015). Collection method: clinical testing. Allele origin: germline.
Comment: In summary, the available evidence is currently insufficient to determine the role of this variant in disease. Therefore, it has been classified as a Variant of Uncertain Significance. Advanced modeling of protein sequence and biophysical properties (such as structural, functional, and spatial information, amino acid conservation, physicochemical variation, residue mobility, and thermodynamic stability) performed at Invitae indicates that this missense variant is not expected to disrupt PMS2 protein function. ClinVar contains an entry for this variant (Variation ID: 1492883). This variant has not been reported in the literature in individuals affected with PMS2-related conditions. This variant is not present in population databases (gnomAD no frequency). This sequence change replaces aspartic acid, which is acidic and polar, with glycine, which is neutral and non-polar, at codon 557 of the PMS2 protein (p.Asp557Gly).